The following is an entry in ClinVar:

ClinVar aggregate classification (germline): Conflicting classifications of pathogenicity. Review status: criteria provided, conflicting classifications (1 of 4 stars). 2 submissions from 2 submitters: Uncertain significance (1); Likely benign (1). Last evaluated 2025-06-29.

Allele frequency attached by ClinVar (database versions not stated): TOPMed below 0.00001; gnomAD exomes 0.00001; gnomAD 0.00001.
gnomAD v4.1: 10 of 1,614,032 alleles (0.00062%); highest among the groups gnomAD compares: African/African-American, 0.0013%; no homozygotes.

Submissions (2):

Labcorp Genetics (formerly Invitae), Labcorp
Classification: Uncertain significance. Last evaluated: 2025-06-29. Review status: criteria provided, single submitter. Criteria: Invitae Variant Classification Sherloc (09022015). Collection method: clinical testing. Allele origin: germline.
Comment: This sequence change replaces arginine, which is basic and polar, with tryptophan, which is neutral and slightly polar, at codon 2024 of the ARID1A protein (p.Arg2024Trp). This variant is not present in population databases (gnomAD no frequency). This variant has not been reported in the literature in individuals affected with ARID1A-related conditions. ClinVar contains an entry for this variant (Variation ID: 1187443). Invitae Evidence Modeling of protein sequence and biophysical properties (such as structural, functional, and spatial information, amino acid conservation, physicochemical variation, residue mobility, and thermodynamic stability) indicates that this missense variant is expected to disrupt ARID1A protein function with a positive predictive value of 80%. In summary, the available evidence is currently insufficient to determine the role of this variant in disease. Therefore, it has been classified as a Variant of Uncertain Significance.

GeneDx
Classification: Likely benign. Last evaluated: 2021-02-19. Review status: criteria provided, single submitter. Criteria: GeneDx Variant Classification Process June 2021. Collection method: clinical testing. Allele origin: germline. Affected: yes.
Comment: Not observed in large population cohorts (Lek et al., 2016); Missense variant in a gene in which most reported pathogenic variants are truncating/loss-of-function; In silico analysis supports that this missense variant has a deleterious effect on protein structure/function; Has not been previously published as pathogenic or benign to our knowledge

NM_006015.6(ARID1A):c.6070C>T (p.Arg2024Trp)

Gene: ARID1A (AT-rich interaction domain 1A; plus strand). Cytogenetic location: 1p36.11.
Variant type: single nucleotide variant.
Coding change: c.6070C>T on transcript NM_006015.6 (MANE Select); coding-DNA position 6070, C replaced by T.
Protein change: p.Arg2024Trp; replaces arginine 2024 with tryptophan.
Molecular consequence: missense variant.
Genome position (GRCh38, 1-based): chr1:26,779,968, C>T. VCF-style: chr1-26779968-C-T. GRCh37 (hg19) VCF-style: chr1-27106459-C-T.
Other names: c.5419C>T, p.Arg1807Trp (NM_139135.4); short protein forms R1807W, R2024W.
Identifiers: ClinVar variation 1187443 (VCV001187443.5), dbSNP rs2081175768, ClinGen allele CA339189784.